The following is an entry in ClinVar:

ClinVar aggregate classification (germline): Uncertain significance (1 of 4 stars; one submission).

Conditions:
Encephalopathy, acute, infection-induced (herpes-specific), susceptibility to, 6. Also called: Herpes simplex encephalitis, susceptibility to, 4. Identifiers: Orphanet 1930, MedGen C3553869, MONDO:0013921, OMIM 614850.

Allele frequency attached by ClinVar (database versions not stated): TOPMed 0.00002.
gnomAD v4.1: 29 of 1,614,012 alleles (0.0018%); highest among the groups gnomAD compares: Middle Eastern, 0.016%; no homozygotes.

Submission:

Labcorp Genetics (formerly Invitae), Labcorp
Classification: Uncertain significance for Encephalopathy, acute, infection-induced (herpes-specific), susceptibility to, 6. Last evaluated: 2022-09-07. Review status: criteria provided, single submitter. Criteria: Invitae Variant Classification Sherloc (09022015). Collection method: clinical testing. Allele origin: germline.
Comment: This variant is present in population databases (no rsID available, gnomAD no frequency). This sequence change replaces isoleucine, which is neutral and non-polar, with threonine, which is neutral and polar, at codon 452 of the TICAM1 protein (p.Ile452Thr). This variant has not been reported in the literature in individuals affected with TICAM1-related conditions. In summary, the available evidence is currently insufficient to determine the role of this variant in disease. Therefore, it has been classified as a Variant of Uncertain Significance. Algorithms developed to predict the effect of missense changes on protein structure and function output the following: SIFT: "Tolerated"; PolyPhen-2: "Benign"; Align-GVGD: "Class C0". The threonine amino acid residue is found in multiple mammalian species, which suggests that this missense change does not adversely affect protein function. ClinVar contains an entry for this variant (Variation ID: 1043022).

NM_182919.4(TICAM1):c.1355T>C (p.Ile452Thr)

Gene: TICAM1 (TIR domain containing adaptor molecule 1; minus strand). Cytogenetic location: 19p13.3.
Variant type: single nucleotide variant.
Coding change: c.1355T>C on transcript NM_182919.4 (MANE Select); coding-DNA position 1355, T replaced by C.
Protein change: p.Ile452Thr; replaces isoleucine 452 with threonine.
Molecular consequence: missense variant.
Genome position (GRCh38, 1-based): chr19:4,817,023, A>G on the plus strand (T>C on the coding strand, the complement: TICAM1 is on the minus strand). VCF-style: chr19-4817023-A-G. GRCh37 (hg19) VCF-style: chr19-4817035-A-G.
Other names: c.1313T>C, p.Ile438Thr (NM_001385678.1); c.1220T>C, p.Ile407Thr (NM_001385679.1); c.713T>C, p.Ile238Thr (NM_001385680.1); short protein forms I407T, I238T, I438T, I452T.
Identifiers: ClinVar variation 1043022 (VCV001043022.7), dbSNP rs770034965, ClinGen allele CA304547528.